The following is an entry in ClinVar:

ClinVar aggregate classification (germline): Uncertain significance. Review status: criteria provided, multiple submitters, no conflicts (2 of 4 stars). 2 submissions from 2 submitters: Uncertain significance (2). Last evaluated 2022-11-02.

Conditions:
Hereditary cancer-predisposing syndrome. Also called: Neoplastic Syndromes, Hereditary; Hereditary neoplastic syndrome; Tumor predisposition; Hereditary Cancer Syndrome. Identifiers: Orphanet 140162, MedGen C0027672, MeSH D009386, MONDO:0015356.
Ataxia-telangiectasia syndrome (AT). Also called: Ataxia-telangiectasia, complementation group D; AT, COMPLEMENTATION GROUP C; Ataxia telangiectasia (A-T); Cerebello-oculocutaneous telangiectasia; Immunodeficiency with ataxia telangiectasia; ATAXIA-TELANGIECTASIA, COMPLEMENTATION GROUP A. Identifiers: Orphanet 100, MedGen C0004135, MONDO:0008840, OMIM 208900.

Allele frequency attached by ClinVar (database versions not stated): gnomAD exomes 0.00001.
gnomAD v4.1: 5 of 1,614,086 alleles (0.00031%); highest among the groups gnomAD compares: South Asian, 0.0055%; no homozygotes.

Submissions (2):

Labcorp Genetics (formerly Invitae), Labcorp
Classification: Uncertain significance for Ataxia-telangiectasia syndrome. Last evaluated: 2022-11-02. Review status: criteria provided, single submitter. Criteria: Invitae Variant Classification Sherloc (09022015). Collection method: clinical testing. Allele origin: germline.
Comment: This sequence change replaces leucine, which is neutral and non-polar, with tryptophan, which is neutral and slightly polar, at codon 1651 of the ATM protein (p.Leu1651Trp). ClinVar contains an entry for this variant (Variation ID: 662330). This variant has not been reported in the literature in individuals affected with ATM-related conditions. This variant is not present in population databases (gnomAD no frequency). In summary, the available evidence is currently insufficient to determine the role of this variant in disease. Therefore, it has been classified as a Variant of Uncertain Significance. Algorithms developed to predict the effect of sequence changes on RNA splicing suggest that this variant may create or strengthen a splice site. Algorithms developed to predict the effect of missense changes on protein structure and function (SIFT, PolyPhen-2, Align-GVGD) all suggest that this variant is likely to be disruptive.

Ambry Genetics
Classification: Uncertain significance for Hereditary cancer-predisposing syndrome. Last evaluated: 2020-12-30. Review status: criteria provided, single submitter. Criteria: Ambry Variant Classification Scheme 2023. Collection method: clinical testing. Allele origin: germline.
Comment: The p.L1651W variant (also known as c.4952T>G), located in coding exon 32 of the ATM gene, results from a T to G substitution at nucleotide position 4952. The leucine at codon 1651 is replaced by tryptophan, an amino acid with similar properties. This amino acid position is highly conserved in available vertebrate species. In addition, this alteration is predicted to be deleterious by in silico analysis. Since supporting evidence is limited at this time, the clinical significance of this alteration remains unclear.

NM_000051.4(ATM):c.4952T>G (p.Leu1651Trp)

Gene: ATM (ATM serine/threonine kinase; plus strand). Cytogenetic location: 11q22.3.
Variant type: single nucleotide variant.
Coding change: c.4952T>G on transcript NM_000051.4 (MANE Select); coding-DNA position 4952, T replaced by G.
Protein change: p.Leu1651Trp; replaces leucine 1651 with tryptophan.
Molecular consequence: missense variant.
Genome position (GRCh38, 1-based): chr11:108,297,329, T>G. VCF-style: chr11-108297329-T-G. GRCh37 (hg19) VCF-style: chr11-108168056-T-G.
Other names: c.4952T>G, p.Leu1651Trp (NM_001351834.2); short protein forms L1651W.
Identifiers: ClinVar variation 662330 (VCV000662330.11), dbSNP rs1555103237, ClinGen allele CA382538250.